The following is an entry in ClinVar:

ClinVar aggregate classification (germline): Conflicting classifications of pathogenicity. Review status: criteria provided, conflicting classifications (1 of 4 stars). 2 submissions from 2 submitters: Uncertain significance (1); Benign (1). Last evaluated 2025-10-13.

Allele frequency attached by ClinVar (database versions not stated): ExAC 0.00003; gnomAD exomes 0.00004; TOPMed 0.00004; gnomAD 0.00007; ESP Exome Variant Server 0.00015.
gnomAD v4.1: 70 of 1,614,044 alleles (0.0043%); highest among the groups gnomAD compares: Non-Finnish European, 0.0054%; no homozygotes.

Submissions (2):

Labcorp Genetics (formerly Invitae), Labcorp
Classification: Uncertain significance. Last evaluated: 2025-10-13. Review status: criteria provided, single submitter. Criteria: Invitae Variant Classification Sherloc (09022015). Collection method: clinical testing. Allele origin: germline.
Comment: This sequence change replaces alanine, which is neutral and non-polar, with serine, which is neutral and polar, at codon 756 of the ADGRE2 protein (p.Ala756Ser). This variant is present in population databases (rs373190699, gnomAD 0.009%). This variant has not been reported in the literature in individuals affected with ADGRE2-related conditions. ClinVar contains an entry for this variant (Variation ID: 1686518). An algorithm developed to predict the effect of missense changes on protein structure and function (PolyPhen-2) suggests that this variant is likely to be disruptive. In summary, the available evidence is currently insufficient to determine the role of this variant in disease. Therefore, it has been classified as a Variant of Uncertain Significance.

Mendelics
Classification: Benign. Last evaluated: 2022-05-04. Review status: criteria provided, single submitter. Criteria: Mendelics Assertion Criteria 2019. Collection method: clinical testing. Allele origin: germline.

NM_013447.4(ADGRE2):c.2266G>T (p.Ala756Ser)

Gene: ADGRE2 (adhesion G protein-coupled receptor E2; minus strand). Cytogenetic location: 19p13.12.
Variant type: single nucleotide variant.
Coding change: c.2266G>T on transcript NM_013447.4 (MANE Select); coding-DNA position 2266, G replaced by T.
Protein change: p.Ala756Ser; replaces alanine 756 with serine.
Molecular consequence: missense variant.
Genome position (GRCh38, 1-based): chr19:14,743,702, C>A on the plus strand (G>T on the coding strand, the complement: ADGRE2 is on the minus strand). VCF-style: chr19-14743702-C-A. GRCh37 (hg19) VCF-style: chr19-14854514-C-A.
Other names: c.2092G>T, p.Ala698Ser (NM_001271052.1); short protein forms A698S, A756S.
Identifiers: ClinVar variation 1686518 (VCV001686518.7), dbSNP rs373190699, ClinGen allele CA9257423.